The following is an entry in ClinVar:

ClinVar aggregate classification (germline): Pathogenic (1 of 4 stars; one submission).

Submission:

GeneDx
Classification: Pathogenic. Last evaluated: 2017-01-13. Review status: criteria provided, single submitter. Criteria: GeneDx Variant Classification (06012015). Collection method: clinical testing. Allele origin: germline. Affected: yes.
Comment: The c.1590-1G>C variant in the IGF1R gene has not been reported previously as a pathogenic variant nor as a benign variant, to our knowledge. This splice site variant destroys the canonical splice acceptor site for intron 7. It is predicted to cause abnormal gene splicing, either leading to an abnormal message that is subject to nonsense-mediated mRNA decay, or to an abnormal protein product if the message is used for protein translation. The c.1590-1G>C variant was not observed in approximately 6500 individuals of European and African American ancestry in the NHLBI Exome Sequencing Project, indicating it is not a common benign variant in these populations. We interpret c.1590-1G>C as a pathogenic variant.

NM_000875.5(IGF1R):c.1590-1G>C

Gene: IGF1R (insulin like growth factor 1 receptor; plus strand). Cytogenetic location: 15q26.3.
Variant type: single nucleotide variant.
Coding change: c.1590-1G>C on transcript NM_000875.5 (MANE Select); the canonical splice acceptor site of the intron before coding-DNA position 1590, G replaced by C.
Molecular consequence: splice acceptor variant.
Genome position (GRCh38, 1-based): chr15:98,913,043, G>C. VCF-style: chr15-98913043-G-C. GRCh37 (hg19) VCF-style: chr15-99456272-G-C.
Other names: c.1590-1G>C (NM_001291858.2).
Identifiers: ClinVar variation 392286 (VCV000392286.2), dbSNP rs1057524426, ClinGen allele CA16606872.